The following is an entry in ClinVar:

ClinVar aggregate classification (germline): Likely pathogenic (1 of 4 stars; one submission).

Conditions:
Biotin-responsive basal ganglia disease (BTBGD). Also called: Thiamine Transporter-2 Deficiency; THIAMINE METABOLISM DYSFUNCTION SYNDROME 2 (BIOTIN- AND THIAMINE-RESPONSIVE TYPE); Thiamine metabolism dysfunction syndrome type 2; thiamine-responsive encephalopathy; Thiamine metabolism dysfunction syndrome 2 (biotin- or thiamine-responsive encephalopathy type 2). Identifiers: Orphanet 199348, Orphanet 65284, MedGen C1843807, MONDO:0011841, OMIM 607483.

gnomAD v4.1: 2 of 1,614,048 alleles (0.00012%); highest among the groups gnomAD compares: South Asian, 0.0022%; no homozygotes.

Submission:

Women's Health and Genetics/Laboratory Corporation of America, LabCorp
Classification: Likely pathogenic for Biotin-responsive basal ganglia disease. Last evaluated: 2025-05-09. Review status: criteria provided, single submitter. Criteria: LabCorp Variant Classification Summary - May 2015. Collection method: clinical testing. Allele origin: germline.
Comment: Variant summary: SLC19A3 c.517A>G (p.Asn173Asp) results in a conservative amino acid change in the encoded protein sequence. Algorithms developed to predict the effect of missense changes on protein structure and function are either unavailable or do not agree on the potential impact of this missense change. The variant was absent in 251452 control chromosomes (gnomAD). c.517A>G has been observed in homozygous individuals affected with Basal ganglia disease, biotin-thiamine-responsive (Fassone_2013, Lail_2023). These data indicate that the variant is likely to be associated with disease. To our knowledge, no experimental evidence demonstrating an impact on protein function has been reported. The following publications have been ascertained in the context of this evaluation (PMID: 24099834, 38053933). No submitters have cited clinical-significance assessments for this variant to ClinVar. Based on the evidence outlined above, the variant was classified as likely pathogenic.

Literature cited by the submitters: PubMed 24099834; PubMed 38053933.

NM_025243.4(SLC19A3):c.517A>G (p.Asn173Asp)

Gene: SLC19A3 (solute carrier family 19 member 3; minus strand). Cytogenetic location: 2q36.3.
Variant type: single nucleotide variant.
Coding change: c.517A>G on transcript NM_025243.4 (MANE Select); coding-DNA position 517, A replaced by G.
Protein change: p.Asn173Asp; replaces asparagine 173 with aspartic acid.
Molecular consequence: missense variant.
Genome position (GRCh38, 1-based): chr2:227,699,198, T>C on the plus strand (A>G on the coding strand, the complement: SLC19A3 is on the minus strand). VCF-style: chr2-227699198-T-C. GRCh37 (hg19) VCF-style: chr2-228563914-T-C.
Other names: c.517A>G, p.Asn173Asp (NM_001371411.1, NM_001371412.1); c.505A>G, p.Asn169Asp (NM_001371413.1, NM_001371414.1); short protein forms N169D, N173D.
Identifiers: ClinVar variation 3902345 (VCV003902345.1).